The following is an entry in ClinVar:

ClinVar aggregate classification (germline): Benign/Likely benign. Review status: criteria provided, multiple submitters, no conflicts (2 of 4 stars). 6 submissions from 6 submitters: Benign (1); Likely benign (4). 1 of the submissions does not count toward it. Last evaluated 2026-05-20.

Conditions:
NF1-related disorder. Also called: NF1-related condition. Identifiers: MedGen CN379171.
Hereditary cancer-predisposing syndrome. Also called: Tumor predisposition; Hereditary neoplastic syndrome; Neoplastic Syndromes, Hereditary; Hereditary Cancer Syndrome. Identifiers: Orphanet 140162, MedGen C0027672, MeSH D009386, MONDO:0015356.
Cardiovascular phenotype. Identifiers: MedGen CN230736.
Neurofibromatosis, type 1 (NF1). Also called: Neurofibromatosis, type I; NEUROFIBROMATOSIS, TYPE I, SOMATIC; VON RECKLINGHAUSEN DISEASE; Peripheral type neurofibromatosis. Identifiers: Orphanet 636, MedGen C0027831, MONDO:0018975, OMIM 162200. Disease mechanism: loss of function.

Allele frequency attached by ClinVar (database versions not stated): TOPMed 0.00001; gnomAD 0.00001.
gnomAD v4.1: 18 of 1,614,000 alleles (0.0011%); highest among the groups gnomAD compares: East Asian, 0.0067%; no homozygotes.

Submissions (6):

Myriad Genetics, Inc.
Classification: Benign for Neurofibromatosis, type 1. Last evaluated: 2026-05-20. Review status: criteria provided, single submitter. Criteria: Myriad Autosomal Dominant, Autosomal Recessive and X-Linked Classification Criteria (2023). Collection method: clinical testing. Allele origin: unknown.
Comment: This variant is considered benign. This variant is a silent/synonymous amino acid change and it is not expected to impact splicing.

Labcorp Genetics (formerly Invitae), Labcorp
Classification: Likely benign for Neurofibromatosis, type 1. Last evaluated: 2025-12-14. Review status: criteria provided, single submitter. Criteria: Invitae Variant Classification Sherloc (09022015). Collection method: clinical testing. Allele origin: germline.

Genome-Nilou Lab
Classification: Likely benign for Neurofibromatosis, type 1. Last evaluated: 2022-03-15. Review status: criteria provided, single submitter. Criteria: ACMG Guidelines, 2015. Collection method: clinical testing. Allele origin: germline. Affected: no.

Sema4
Classification: Likely benign for Hereditary cancer-predisposing syndrome. Last evaluated: 2022-01-06. Review status: criteria provided, single submitter. Criteria: Sema4 Curation Guidelines. Collection method: curation. Allele origin: germline.

Ambry Genetics
Classification: Likely benign for Cardiovascular phenotype; Hereditary cancer-predisposing syndrome. Last evaluated: 2015-11-12. Review status: criteria provided, single submitter. Criteria: Ambry General Variant Classification Scheme_2022. Collection method: clinical testing. Allele origin: germline. Observed: 1 variant allele.

PreventionGenetics, part of Exact Sciences
Classification: Likely benign for NF1-related condition. Last evaluated: 2021-02-01. Review status: no assertion criteria provided. Collection method: clinical testing. Allele origin: germline. Not counted in ClinVar's aggregate classification.
Comment: This variant is classified as likely benign based on ACMG/AMP sequence variant interpretation guidelines (Richards et al. 2015 PMID: 25741868, with internal and published modifications).

NM_001042492.3(NF1):c.5571C>T (p.Ile1857=)

Gene: NF1 (neurofibromin 1; plus strand). Cytogenetic location: 17q11.2.
Variant type: single nucleotide variant.
Coding change: c.5571C>T on transcript NM_001042492.3 (MANE Select); coding-DNA position 5571, C replaced by T.
Protein change: p.Ile1857=; no amino-acid change (isoleucine 1857 retained).
Molecular consequence: synonymous variant.
Genome position (GRCh38, 1-based): chr17:31,327,801, C>T. VCF-style: chr17-31327801-C-T. GRCh37 (hg19) VCF-style: chr17-29654819-C-T.
Other names: c.5508C>T, p.Ile1836= (NM_000267.4).
Identifiers: ClinVar variation 215719 (VCV000215719.17), dbSNP rs771837192, ClinGen allele CA339084.